The following is an entry in ClinVar:

NM_016507.4(CDK12):c.1049G>A (p.Arg350Lys)

Gene: CDK12 (cyclin dependent kinase 12; plus strand). Cytogenetic location: 17q12.
Variant type: single nucleotide variant.
Coding change: c.1049G>A on transcript NM_016507.4 (MANE Select); coding-DNA position 1049, G replaced by A.
Protein change: p.Arg350Lys; replaces arginine 350 with lysine.
Molecular consequence: missense variant.
Genome position (GRCh38, 1-based): chr17:39,470,881, G>A. VCF-style: chr17-39470881-G-A. GRCh37 (hg19) VCF-style: chr17-37627134-G-A.
Other names: c.1049G>A, p.Arg350Lys (NM_015083.4); short protein forms R350K.
Identifiers: ClinVar variation 3830458 (VCV003830458.1).

ClinVar aggregate classification (germline): Uncertain significance (1 of 4 stars; one submission).

gnomAD v4.1: 1 of 1,593,978 alleles (0.000063%); highest among the groups gnomAD compares: Non-Finnish European, 0.000085%; no homozygotes.

Submission:

Ambry Genetics
Classification: Uncertain significance. Last evaluated: 2025-01-06. Review status: criteria provided, single submitter. Criteria: Ambry Variant Classification Scheme 2023. Collection method: clinical testing. Allele origin: germline.
Comment: The p.R350K variant (also known as c.1049G>A), located in coding exon 2 of the CDK12 gene, results from a G to A substitution at nucleotide position 1049. The arginine at codon 350 is replaced by lysine, an amino acid with highly similar properties. This amino acid position is conserved. In addition, the in silico prediction for this alteration is inconclusive. Based on the available evidence, the clinical significance of this variant remains unclear.